The following is an entry in ClinVar:

ClinVar aggregate classification (germline): Pathogenic (1 of 4 stars; one submission).

Conditions:
Wilson disease (WND). Also called: Wilson's disease. Identifiers: Orphanet 905, MedGen C0019202, MONDO:0010200, OMIM 277900. Disease mechanism: loss of function.

Submission:

Myriad Genetics, Inc.
Classification: Pathogenic for Wilson disease. Last evaluated: 2025-01-10. Review status: criteria provided, single submitter. Criteria: Myriad Autosomal Dominant, Autosomal Recessive and X-Linked Classification Criteria (2023). Collection method: clinical testing. Allele origin: unknown.
Comment: NM_000053.3(ATP7B):c.3304delA(I1102Lfs*19) is expected to be pathogenic in the context of Wilson disease. This variant is predicted to lead to an abnormal or absent protein product due to the creation of a premature termination codon in ATP7B, a gene where loss-of-function variants are known to be pathogenic. Please note: this variant was assessed in the context of healthy population screening.

NM_000053.4(ATP7B):c.3304del (p.Ile1102fs)

Gene: ATP7B (ATPase copper transporting beta; minus strand). Cytogenetic location: 13q14.3.
Variant type: Deletion.
Coding change: c.3304del on transcript NM_000053.4 (MANE Select); coding-DNA position 3304, one base deleted (A; older notation c.3304delA).
Protein change: p.Ile1102fs; shifts the reading frame from isoleucine 1102.
Molecular consequence: frameshift variant.
Genome position (GRCh38, 1-based): chr13:51,942,494, T deleted on the plus strand (A on the coding strand, the reverse complement: ATP7B is on the minus strand); the first of 2 consecutive T bases (chr13:51,942,494-51,942,495); deleting either gives the same sequence. VCF-style (leftmost placement, unchanged base first): chr13-51942493-AT-A. GRCh37 (hg19) VCF-style: chr13-52516629-AT-A.
Other names: c.2683del, p.Ile895fs (NM_001005918.3); c.2971del, p.Ile991fs (NM_001243182.2); c.3070del, p.Ile1024fs (NM_001330578.2, NM_001406527.1, NM_001406528.1 and 1 more transcripts); c.3052del, p.Ile1018fs (NM_001330579.2, NM_001406531.1, NM_001406532.1); c.3304del, p.Ile1102fs (NM_001406511.1, NM_001406512.1, NM_001406526.1); c.3298del, p.Ile1100fs (NM_001406513.1); c.3271del, p.Ile1091fs (NM_001406514.1); c.3250del, p.Ile1084fs (NM_001406515.1, NM_001406516.1); and 19 more; short protein forms I1006fs, I1018fs, I1022fs, I1024fs, I1037fs, I1041fs, I1043fs, I1054fs.
Identifiers: ClinVar variation 5013944 (VCV005013944.1).